The following is an entry in ClinVar:

ClinVar aggregate classification (germline): Uncertain significance (1 of 4 stars; one submission).

Conditions:
Hereditary cancer-predisposing syndrome. Also called: Neoplastic Syndromes, Hereditary; Tumor predisposition; Hereditary Cancer Syndrome; Hereditary neoplastic syndrome. Identifiers: Orphanet 140162, MedGen C0027672, MeSH D009386, MONDO:0015356.

Submission:

Ambry Genetics
Classification: Uncertain significance for Hereditary cancer-predisposing syndrome. Last evaluated: 2026-04-12. Review status: criteria provided, single submitter. Criteria: Ambry Variant Classification Scheme 2023. Collection method: clinical testing. Allele origin: germline.
Comment: The p.T611I variant (also known as c.1832C>T), located in coding exon 5 of the MET gene, results from a C to T substitution at nucleotide position 1832. The threonine at codon 611 is replaced by isoleucine, an amino acid with similar properties. This amino acid position is conserved. In addition, this alteration is predicted to be tolerated by in silico analysis. Based on the available evidence, the clinical significance of this variant remains unclear.

NM_000245.4(MET):c.1832C>T (p.Thr611Ile)

Gene: MET (MET proto-oncogene, receptor tyrosine kinase; plus strand). Cytogenetic location: 7q31.2.
Variant type: single nucleotide variant.
Coding change: c.1832C>T on transcript NM_000245.4 (MANE Select); coding-DNA position 1832, C replaced by T.
Protein change: p.Thr611Ile; replaces threonine 611 with isoleucine.
Molecular consequence: missense variant.
Genome position (GRCh38, 1-based): chr7:116,755,485, C>T. VCF-style: chr7-116755485-C-T. GRCh37 (hg19) VCF-style: chr7-116395539-C-T.
Other names: c.1832C>T, p.Thr611Ile (NM_001127500.3, NM_001324401.3); c.542C>T, p.Thr181Ile (NM_001324402.2); short protein forms T181I, T611I.
Identifiers: ClinVar variation 4859961 (VCV004859961.1).